The following is an entry in ClinVar:

ClinVar aggregate classification (germline): Pathogenic/Likely pathogenic. Review status: criteria provided, multiple submitters, no conflicts (2 of 4 stars). 4 submissions from 4 submitters: Pathogenic (1); Likely pathogenic (3). Last evaluated 2026-03-26.

Conditions:
Autosomal dominant Alport syndrome (ATS3A). Also called: Alport syndrome dominant type; Renal failure and sensorineural hearing loss; ALPORT SYNDROME 3A, AUTOSOMAL DOMINANT. Identifiers: Orphanet 63, Orphanet 88918, MedGen C5882663, MONDO:0007086, OMIM 104200.
Alport syndrome 3b, autosomal recessive. Identifiers: MedGen C5882699, MONDO:0957811, OMIM 620536.
Hematuria, benign familial, 2 (BFH2). Identifiers: MedGen C5830421, MONDO:0958186, OMIM 620320.

Allele frequency attached by ClinVar (database versions not stated): gnomAD exomes below 0.00001.

Submissions (4):

Centre de Génétique Humaine, Institut de Pathologie Et de Génétique
Classification: Pathogenic for Autosomal dominant Alport syndrome. Last evaluated: 2026-03-26. Review status: criteria provided, single submitter. Criteria: ACMG Guidelines, 2015. Collection method: clinical testing. Allele origin: germline. Inheritance: Autosomal dominant inheritance. Affected: yes. Observed: 4 variant alleles, 4 heterozygotes. Clinical features observed: Microscopic hematuria (HP:0002907), Proteinuria (HP:0000093), Hypertensive disorder (HP:0000822), Stage 3 chronic kidney disease (HP:0012625). Segregation with disease observed.
Comment: Variant located in the canonical donor splice site of intron 4 (PVS1). This variant is rare: allelic frequency of 0.00025% in gnomAD v4.1.0 database (PM2).

GeneDx
Classification: Likely pathogenic. Last evaluated: 2025-07-03. Review status: criteria provided, single submitter. Criteria: GeneDx Variant Classification Process June 2021. Collection method: clinical testing. Allele origin: germline. Affected: yes.
Comment: Canonical splice site variant predicted to result in an in-frame loss of the adjacent exon in a gene for which loss of function is a known mechanism of disease; Not observed at significant frequency in large population cohorts (gnomAD); Has not been previously published as pathogenic or benign to our knowledge

Fulgent Genetics
Classification: Likely pathogenic for Autosomal dominant Alport syndrome; Hematuria, benign familial, 2; Alport syndrome 3b, autosomal recessive. Last evaluated: 2024-04-05. Review status: criteria provided, single submitter. Criteria: ACMG Guidelines, 2015. Collection method: clinical testing. Allele origin: germline.

Labcorp Genetics (formerly Invitae), Labcorp
Classification: Likely pathogenic. Last evaluated: 2023-05-11. Review status: criteria provided, single submitter. Criteria: Invitae Variant Classification Sherloc (09022015). Collection method: clinical testing. Allele origin: germline.
Comment: This variant is not present in population databases (gnomAD no frequency). This sequence change affects a donor splice site in intron 4 of the COL4A3 gene. It is expected to disrupt RNA splicing. Variants that disrupt the donor or acceptor splice site typically lead to a loss of protein function (PMID: 16199547), and loss-of-function variants in COL4A3 are known to be pathogenic (PMID: 8956999, 24854265, 26809805, 27281700). In summary, the currently available evidence indicates that the variant is pathogenic, but additional data are needed to prove that conclusively. Therefore, this variant has been classified as Likely Pathogenic. Algorithms developed to predict the effect of sequence changes on RNA splicing suggest that this variant may disrupt the consensus splice site. ClinVar contains an entry for this variant (Variation ID: 1066620). This variant has not been reported in the literature in individuals affected with COL4A3-related conditions.

Literature cited by the submitters: PubMed 16199547 (cited by Labcorp Genetics (formerly Invitae), Labcorp); PubMed 8956999 (cited by Labcorp Genetics (formerly Invitae), Labcorp); PubMed 24854265 (cited by Labcorp Genetics (formerly Invitae), Labcorp); PubMed 26809805 (cited by Labcorp Genetics (formerly Invitae), Labcorp); PubMed 27281700 (cited by Labcorp Genetics (formerly Invitae), Labcorp).

NM_000091.5(COL4A3):c.279+1G>T

Genes: COL4A3 (collagen type IV alpha 3 chain; plus strand), MFF-DT (MFF divergent transcript; minus strand). Cytogenetic location: 2q36.3.
Variant type: single nucleotide variant.
Coding change: c.279+1G>T on transcript NM_000091.5 (MANE Select); the canonical splice donor site of the intron after coding-DNA position 279, G replaced by T.
Molecular consequence: splice donor variant.
Genome position (GRCh38, 1-based): chr2:227,244,365, G>T. VCF-style: chr2-227244365-G-T. GRCh37 (hg19) VCF-style: chr2-228109081-G-T.
Identifiers: ClinVar variation 1066620 (VCV001066620.10), dbSNP rs202001097, ClinGen allele CA350860720.